The following is an entry in ClinVar:

NM_001001331.4(ATP2B2):c.3222G>A (p.Glu1074=)

Gene: ATP2B2 (ATPase plasma membrane Ca2+ transporting 2; minus strand). Cytogenetic location: 3p25.3.
Variant type: single nucleotide variant.
Coding change: c.3222G>A on transcript NM_001001331.4 (MANE Select); coding-DNA position 3222, G replaced by A.
Protein change: p.Glu1074=; no amino-acid change (glutamic acid 1074 retained).
Molecular consequence: synonymous variant.
Genome position (GRCh38, 1-based): chr3:10,340,257, C>T on the plus strand (G>A on the coding strand, the complement: ATP2B2 is on the minus strand). VCF-style: chr3-10340257-C-T. GRCh37 (hg19) VCF-style: chr3-10381941-C-T.
Other names: c.3087G>A, p.Glu1029= (NM_001330611.3, NM_001353564.1, NM_001363862.1 and 2 more transcripts); c.3129G>A, p.Glu1043= (NM_001438646.1).
Identifiers: ClinVar variation 4682007 (VCV004682007.5).

ClinVar aggregate classification (germline): Likely benign (1 of 4 stars; one submission).

gnomAD v4.1: 7 of 1,614,078 alleles (0.00043%); highest among the groups gnomAD compares: Admixed American, 0.01%; no homozygotes.

Submission:

CeGaT Center for Human Genetics Tuebingen
Classification: Likely benign. Last evaluated: 2025-12-01. Review status: criteria provided, single submitter. Criteria: CeGaT Center For Human Genetics Tuebingen Variant Classification Criteria Version 2. Collection method: clinical testing. Allele origin: germline. Affected: yes. Observed: 1 variant allele.
Comment: ATP2B2: BP4, BP7